The following is an entry in ClinVar:

ClinVar aggregate classification (germline): Uncertain significance (1 of 4 stars; one submission).

Conditions:
X-linked intellectual disability Cabezas type (MRXSC). Also called: CABEZAS SYNDROME; MENTAL RETARDATION, X-LINKED, SYNDROMIC 15; Intellectual developmental disorder, X-linked syndromic, Cabezas type. Identifiers: Orphanet 85289, Orphanet 85293, MedGen C1845861, MONDO:0010306, OMIM 300354.

Allele frequency attached by ClinVar (database versions not stated): gnomAD 0.00001; TOPMed 0.00001.
gnomAD v4.1: 1 of 1,203,606 alleles (0.000083%); highest among the groups gnomAD compares: Non-Finnish European, 0.00011%; no homozygotes.

Submission:

Labcorp Genetics (formerly Invitae), Labcorp
Classification: Uncertain significance for X-linked intellectual disability Cabezas type. Last evaluated: 2022-06-12. Review status: criteria provided, single submitter. Criteria: Invitae Variant Classification Sherloc (09022015). Collection method: clinical testing. Allele origin: germline.
Comment: In summary, the available evidence is currently insufficient to determine the role of this variant in disease. Therefore, it has been classified as a Variant of Uncertain Significance. This sequence change replaces leucine, which is neutral and non-polar, with glutamine, which is neutral and polar, at codon 329 of the CUL4B protein (p.Leu329Gln). This variant is not present in population databases (gnomAD no frequency). This missense change has been observed in individual(s) with syndromic intellectual disability (PMID: 28817236). Algorithms developed to predict the effect of missense changes on protein structure and function (SIFT, PolyPhen-2, Align-GVGD) all suggest that this variant is likely to be disruptive.

Literature cited by the submitters: PubMed 28817236.

NM_001079872.2(CUL4B):c.932T>A (p.Leu311Gln)

Gene: CUL4B (cullin 4B; minus strand). Cytogenetic location: Xq24.
Variant type: single nucleotide variant.
Coding change: c.932T>A on transcript NM_001079872.2 (MANE Select); coding-DNA position 932, T replaced by A.
Protein change: p.Leu311Gln; replaces leucine 311 with glutamine.
Molecular consequence: missense variant.
Genome position (GRCh38, 1-based): chrX:120,544,632, A>T on the plus strand (T>A on the coding strand, the complement: CUL4B is on the minus strand). VCF-style: chrX-120544632-A-T. GRCh37 (hg19) VCF-style: chrX-119678487-A-T.
Other names: c.947T>A, p.Leu316Gln (NM_001330624.2); c.398T>A, p.Leu133Gln (NM_001369145.1); c.986T>A, p.Leu329Gln (NM_003588.4); short protein forms L329Q, L133Q, L311Q, L316Q.
Identifiers: ClinVar variation 2138711 (VCV002138711.4), dbSNP rs1295817601, ClinGen allele CA414199596.